The following is an entry in ClinVar:

ClinVar aggregate classification (germline): Uncertain significance (1 of 4 stars; one submission).

Submission:

GeneDx
Classification: Uncertain significance. Last evaluated: 2025-04-18. Review status: criteria provided, single submitter. Criteria: GeneDx Variant Classification Process June 2021. Collection method: clinical testing. Allele origin: germline. Affected: yes.
Comment: Not observed at significant frequency in large population cohorts (gnomAD); In silico analysis indicates that this missense variant does not alter protein structure/function; Has not been previously published as pathogenic or benign to our knowledge

NM_001349798.2(FBXW7):c.179T>A (p.Val60Asp)

Gene: FBXW7 (F-box and WD repeat domain containing 7; minus strand). Cytogenetic location: 4q31.3.
Variant type: single nucleotide variant.
Coding change: c.179T>A on transcript NM_001349798.2 (MANE Select); coding-DNA position 179, T replaced by A.
Protein change: p.Val60Asp; replaces valine 60 with aspartic acid.
Molecular consequence: missense variant.
Genome position (GRCh38, 1-based): chr4:152,411,625, A>T on the plus strand (T>A on the coding strand, the complement: FBXW7 is on the minus strand). VCF-style: chr4-152411625-A-T. GRCh37 (hg19) VCF-style: chr4-153332777-A-T.
Other names: c.179T>A, p.Val60Asp (NM_001257069.1, NM_033632.3); short protein forms V60D.
Identifiers: ClinVar variation 4282075 (VCV004282075.1).
Genomic context (GRCh38, chr4:152,411,625, plus strand): 5'-TTTTCTTCCAACTGTCCTTGCTGGGAATCATTTTGGCCTCCAGGTCTAGGTTCTACTCCA[A>T]CAACTTCACCATTCCTTGCAGTGTGCTCCTCCTCTTGTTGTCTGAGTTGCTGTTGCTGTT-3'
Protein context (NP_001336727.1, residues 50-70): EEHTARNGEV[Val60Asp]GVEPRPGGQN